The following is an entry in ClinVar:

NM_001202.6(BMP4):c.57A>C (p.Gly19=)

Gene: BMP4 (bone morphogenetic protein 4; minus strand). Cytogenetic location: 14q22.2.
Variant type: single nucleotide variant.
Coding change: c.57A>C on transcript NM_001202.6 (MANE Select); coding-DNA position 57, A replaced by C.
Protein change: p.Gly19=; no amino-acid change (glycine 19 retained).
Molecular consequence: synonymous variant. On other transcripts: 5 prime UTR variant (3).
Genome position (GRCh38, 1-based): chr14:53,952,166, T>G on the plus strand (A>C on the coding strand, the complement: BMP4 is on the minus strand). VCF-style: chr14-53952166-T-G. GRCh37 (hg19) VCF-style: chr14-54418884-T-G.
Other names: c.198A>C, p.Gly66= (NM_001347912.1); c.-133A>C (NM_001347913.2, NM_001347915.2, NM_001347917.1); c.57A>C, p.Gly19= (NM_001347914.2, NM_001347916.1, NM_130850.5 and 1 more transcripts).
Identifiers: ClinVar variation 5008857 (VCV005008857.1).
Genomic context (GRCh38, chr14:53,952,166, plus strand): 5'-CTGAATCTCGGCGACTTTTTTCTTCCCCGTCTCAGGTATCAAACTAGCATGGCTCGCGCC[T>G]CCTAGCAGGACTTGGCATAATAAAACGACCATCAGCATTCGGTTACCAGGAATCATGGTG-3'
Protein context (NP_001193.2, residues 9-29): MVVLLCQVLL[Gly19=]GASHASLIPE

ClinVar aggregate classification (germline): Uncertain significance (1 of 4 stars; one submission).

Submission:

GeneDx
Classification: Uncertain significance. Last evaluated: 2026-03-09. Review status: criteria provided, single submitter. Criteria: GeneDx Variant Classification Process June 2021. Collection method: clinical testing. Allele origin: germline.
Comment: Not observed at significant frequency in large population cohorts (gnomAD); In silico analysis suggests that this variant does not alter splicing; Has not been previously published as pathogenic or benign to our knowledge